The following is an entry in ClinVar:

NM_004260.4(RECQL4):c.924del (p.Gln309fs)

Gene: RECQL4 (RecQ like helicase 4; minus strand). Cytogenetic location: 8q24.3.
Variant type: Deletion.
Coding change: c.924del on transcript NM_004260.4 (MANE Select); coding-DNA position 924, one base deleted (T; older notation c.924delT).
Protein change: p.Gln309fs; shifts the reading frame from glutamine 309.
Molecular consequence: frameshift variant. On other transcripts: 5 prime UTR variant (17), non-coding transcript variant (3).
Genome position (GRCh38, 1-based): chr8:144,516,195, A deleted on the plus strand (T on the coding strand, the reverse complement: RECQL4 is on the minus strand). VCF-style (leftmost placement, unchanged base first): chr8-144516194-GA-G. GRCh37 (hg19) VCF-style: chr8-145741578-GA-G.
Other names: c.924del, p.Gln309fs (NM_001413019.1, NM_001413020.1, NM_001413033.1 and 4 more transcripts); c.-148del (NM_001413021.1, NM_001413022.1, NM_001413023.1 and 7 more transcripts); c.795del, p.Gln266fs (NM_001413025.1); c.-210del (NM_001413027.1, NM_001413030.1, NM_001413031.1 and 2 more transcripts); c.573del, p.Gln192fs (NM_001413029.1); c.-52del (NM_001413034.1); c.-417del (NM_001413043.1); short protein forms Q309fs, Q192fs, Q266fs.
Identifiers: ClinVar variation 5007292 (VCV005007292.2).

ClinVar aggregate classification (germline): Likely pathogenic (1 of 4 stars; one submission).

Conditions:
Rothmund-Thomson syndrome type 2 (RTS2). Identifiers: Orphanet 221016, MedGen C5203410, MONDO:0016369, OMIM 268400.
Rapadilino syndrome. Identifiers: Orphanet 3021, MedGen C1849453, MONDO:0009955, OMIM 266280.
Baller-Gerold syndrome (BGS). Also called: CRANIOSYNOSTOSIS WITH RADIAL DEFECTS. Identifiers: Orphanet 1225, MedGen C0265308, MONDO:0009039, OMIM 218600.

Submission:

Juno Genomics, Hangzhou Juno Genomics, Inc
Classification: Likely pathogenic for Baller-Gerold syndrome; Rapadilino syndrome; Rothmund-Thomson syndrome type 2. Review status: criteria provided, single submitter. Criteria: ACMG Guidelines, 2015. Collection method: clinical testing. Allele origin: germline.
Comment: Null variant in a gene where loss of function (LOF) is a known mechanism of disease.;Absent from controls (or at extremely low frequency if recessive) in Genome Aggregation Database.